The following is an entry in ClinVar:

NM_001042492.3(NF1):c.7231A>T (p.Arg2411Ter)

Gene: NF1 (neurofibromin 1; plus strand). Cytogenetic location: 17q11.2.
Variant type: single nucleotide variant.
Coding change: c.7231A>T on transcript NM_001042492.3 (MANE Select); coding-DNA position 7231, A replaced by T.
Protein change: p.Arg2411Ter; replaces arginine 2411 with a stop codon.
Molecular consequence: nonsense.
Genome position (GRCh38, 1-based): chr17:31,349,161, A>T. VCF-style: chr17-31349161-A-T. GRCh37 (hg19) VCF-style: chr17-29676179-A-T.
Other names: c.7168A>T, p.Arg2390Ter (NM_000267.4); short protein forms R2411*, R2390*.
Identifiers: ClinVar variation 863490 (VCV000863490.6), dbSNP rs2070074822, ClinGen allele CA399016733.

ClinVar aggregate classification (germline): Pathogenic (1 of 4 stars; one submission).

Conditions:
Neurofibromatosis, type 1 (NF1). Also called: Neurofibromatosis, type I; VON RECKLINGHAUSEN DISEASE; Peripheral type neurofibromatosis; NEUROFIBROMATOSIS, TYPE I, SOMATIC. Identifiers: Orphanet 636, MedGen C0027831, MONDO:0018975, OMIM 162200. Disease mechanism: loss of function.

Submission:

Labcorp Genetics (formerly Invitae), Labcorp
Classification: Pathogenic for Neurofibromatosis, type 1. Last evaluated: 2019-01-28. Review status: criteria provided, single submitter. Criteria: Invitae Variant Classification Sherloc (09022015). Collection method: clinical testing. Allele origin: germline.
Comment: This sequence change creates a premature translational stop signal (p.Arg2390*) in the NF1 gene. It is expected to result in an absent or disrupted protein product. For these reasons, this variant has been classified as Pathogenic. Loss-of-function variants in NF1 are known to be pathogenic (PMID: 10712197, 23913538). This variant has not been reported in the literature in individuals with NF1-related conditions. This variant is not present in population databases (ExAC no frequency).

Literature cited by the submitters: PubMed 10712197; PubMed 23913538.